The following is an entry in ClinVar:

ClinVar aggregate classification (germline): Likely pathogenic. Review status: reviewed by expert panel (3 of 4 stars). 2 submissions from 2 submitters: Likely pathogenic (1). 1 of the submissions does not count toward it. Last evaluated 2018-12-10.

Conditions:
Phenylketonuria (PKU). Also called: Phenylketonuria (PKU); FOLLING DISEASE; OLIGOPHRENIA PHENYLPYRUVICA; Phenylketonurias. Identifiers: Orphanet 716, MedGen C0031485, MONDO:0009861, OMIM 261600. Disease mechanism: loss of function.

Submissions (2):

ClinGen PAH Variant Curation Expert Panel
Classification: Likely pathogenic for Phenylketonuria. Last evaluated: 2018-12-10. Review status: reviewed by expert panel. Criteria: ClinGen PAH ACMG Specifications v1. Collection method: curation. Allele origin: germline. Inheritance: Autosomal recessive inheritance.
Comment: BH4 deficiencies were not assessed. PMID: 16256386, 19915519. It was detected with a known pathogenic variant p.R252Q. PMID: 16256386. It is absent from population databases. It is predicted deleterious in SIFT, Polyphen2, MutationTaster, and REVEL=0.952. In summary, this variant meets criteria to be classified as likely pathogenic for PAH. PAH-specific ACMG/AMP criteria applied: PM2, PM3, PP3, PP4.

DeBelle Laboratory for Biochemical Genetics, MUHC/MCH RESEARCH INSTITUTE
No classification provided. Review status: no classification provided. Collection method: not provided. Allele origin: not provided. Not counted in ClinVar's aggregate classification.

Literature cited by the submitters: PubMed 19915519 (cited by ClinGen PAH Variant Curation Expert Panel); PubMed 16256386 (cited by ClinGen PAH Variant Curation Expert Panel).

NM_000277.3(PAH):c.801G>C (p.Gln267His)

Gene: PAH (phenylalanine hydroxylase; minus strand). Cytogenetic location: 12q23.2.
Variant type: single nucleotide variant.
Coding change: c.801G>C on transcript NM_000277.3 (MANE Select); coding-DNA position 801, G replaced by C.
Protein change: p.Gln267His; replaces glutamine 267 with histidine.
Molecular consequence: missense variant.
Genome position (GRCh38, 1-based): chr12:102,852,856, C>G on the plus strand (G>C on the coding strand, the complement: PAH is on the minus strand). VCF-style: chr12-102852856-C-G. GRCh37 (hg19) VCF-style: chr12-103246634-C-G.
Other names: NM_000277.2(PAH):c.801G>C; c.801G>C, p.Gln267His (NM_001354304.2); short protein forms Q267H.
Identifiers: ClinVar variation 102840 (VCV000102840.2), dbSNP rs199475675, ClinGen allele CA229771.